The following is an entry in ClinVar:

NM_015346.4(ZFYVE26):c.541G>A (p.Gly181Ser)

Gene: ZFYVE26 (zinc finger FYVE-type containing 26; minus strand). Cytogenetic location: 14q24.1.
Variant type: single nucleotide variant.
Coding change: c.541G>A on transcript NM_015346.4 (MANE Select); coding-DNA position 541, G replaced by A.
Protein change: p.Gly181Ser; replaces glycine 181 with serine.
Molecular consequence: missense variant.
Genome position (GRCh38, 1-based): chr14:67,807,743, C>T on the plus strand (G>A on the coding strand, the complement: ZFYVE26 is on the minus strand). VCF-style: chr14-67807743-C-T. GRCh37 (hg19) VCF-style: chr14-68274460-C-T.
Other names: short protein forms G181S.
Identifiers: ClinVar variation 967611 (VCV000967611.4), dbSNP rs140211588, ClinGen allele CA7240772.

ClinVar aggregate classification (germline): Uncertain significance. Review status: criteria provided, multiple submitters, no conflicts (2 of 4 stars). 2 submissions from 2 submitters: Uncertain significance (2). Last evaluated 2025-08-11.

Conditions:
Inborn genetic diseases. Identifiers: MedGen C0950123, MeSH D030342.
Spastic paraplegia. Identifiers: MedGen C0037772, HP:0001258.

Allele frequency attached by ClinVar (database versions not stated): gnomAD exomes 0.00004 and 0.00010; gnomAD 0.00007 and 0.00009; ESP Exome Variant Server 0.00008; TOPMed 0.00008; ExAC 0.00009; 1000 Genomes Project 0.00040; 1000 Genomes Project 30x 0.00047.
gnomAD v4.1: 67 of 1,614,178 alleles (0.0042%); highest among the groups gnomAD compares: South Asian, 0.032%; no homozygotes.

Submissions (2):

Ambry Genetics
Classification: Uncertain significance for Inborn genetic diseases. Last evaluated: 2025-08-11. Review status: criteria provided, single submitter. Criteria: Ambry Variant Classification Scheme 2023. Collection method: clinical testing. Allele origin: germline.

Labcorp Genetics (formerly Invitae), Labcorp
Classification: Uncertain significance for Spastic paraplegia. Last evaluated: 2022-03-01. Review status: criteria provided, single submitter. Criteria: Invitae Variant Classification Sherloc (09022015). Collection method: clinical testing. Allele origin: germline.
Comment: This sequence change replaces glycine, which is neutral and non-polar, with serine, which is neutral and polar, at codon 181 of the ZFYVE26 protein (p.Gly181Ser). This variant is present in population databases (rs140211588, gnomAD 0.04%). This variant has not been reported in the literature in individuals affected with ZFYVE26-related conditions. ClinVar contains an entry for this variant (Variation ID: 967611). Algorithms developed to predict the effect of missense changes on protein structure and function output the following: SIFT: "Tolerated"; PolyPhen-2: "Benign"; Align-GVGD: "Class C0". The serine amino acid residue is found in multiple mammalian species, which suggests that this missense change does not adversely affect protein function. In summary, the available evidence is currently insufficient to determine the role of this variant in disease. Therefore, it has been classified as a Variant of Uncertain Significance.